The following is an entry in ClinVar:

ClinVar aggregate classification (germline): Pathogenic. Review status: reviewed by expert panel (3 of 4 stars). 2 submissions from 2 submitters: Pathogenic (1). 1 of the submissions does not count toward it. Last evaluated 2017-12-15.

Conditions:
Breast-ovarian cancer, familial, susceptibility to, 2 (BROVCA2). Also called: BRCA2 Hereditary Breast and Ovarian Cancer. Identifiers: Orphanet 145, MedGen C2675520, MONDO:0012933, OMIM 612555. Disease mechanism: loss of function.
Familial cancer of breast. Also called: BREAST CANCER, FAMILIAL; Hereditary breast cancer; hereditary breast carcinoma. Identifiers: Orphanet 227535, MedGen C0346153, MONDO:0016419, OMIM 114480. Disease mechanism: loss of function.

Submissions (2):

Evidence-based Network for the Interpretation of Germline Mutant Alleles (ENIGMA)
Classification: Pathogenic for Breast-ovarian cancer, familial, susceptibility to, 2. Last evaluated: 2017-12-15. Review status: reviewed by expert panel. Criteria: ENIGMA BRCA1/2 Classification Criteria (2017-06-29). Collection method: curation. Allele origin: germline. Study: ENIGMA.
Comment: Variant allele predicted to encode a truncated non-functional protein.

ClinVar Staff, National Center for Biotechnology Information (NCBI)
No classification provided. Condition: Familial cancer of breast. Review status: no classification provided. Collection method: literature only. Allele origin: germline. Affected: yes. Not counted in ClinVar's aggregate classification.

Literature cited by the submitters: PubMed 16683254 (cited by ClinVar Staff, National Center for Biotechnology Information (NCBI)).

NM_000059.4(BRCA2):c.3773_3774del (p.Ile1258fs)

Gene: BRCA2 (BRCA2 DNA repair associated; plus strand). Cytogenetic location: 13q13.1.
Variant type: Deletion.
Coding change: c.3773_3774del on transcript NM_000059.4 (MANE Select); coding-DNA positions 3773 to 3774, 2 bases deleted (TA; older notation c.3773_3774delTA).
Protein change: p.Ile1258fs; shifts the reading frame from isoleucine 1258.
Molecular consequence: frameshift variant.
Genome position (GRCh38, 1-based): chr13:32,338,128-32,338,129, TA deleted; deleting any 2 consecutive bases within chr13:32,338,127-32,338,129 gives the same sequence; the c. name uses the placement nearest the transcript's 3' end. VCF-style (leftmost placement, unchanged base first): chr13-32338126-AAT-A. GRCh37 (hg19) VCF-style: chr13-32912263-AAT-A.
Other names: c.3773_3774delTA (NM_000059.3); short protein forms I1258fs.
Identifiers: ClinVar variation 51522 (VCV000051522.2), dbSNP rs397507685, ClinGen allele CA018782.
Genomic context (GRCh38, chr13:32,338,126, plus strand): 5'-TGTGAAACTGTTTAGTGATATTGAGAATATTAGTGAGGAAACTTCTGCAGAGGTACATCC[AAT>A]AAGTTTATCTTCAAGTAAATGTCATGATTCTGTTGTTTCAATGTTTAAGATAGAAAATCA-3'